The following is an entry in ClinVar:

ClinVar aggregate classification (germline): Uncertain significance (1 of 4 stars; one submission).

Conditions:
Tumor predisposition syndrome 3 (TPDS3). Also called: Melanoma, cutaneous malignant, susceptibility to, 10; Glioma susceptibility 9; LONG TELOMERE SYNDROME, POT1-RELATED; POT1 Tumor Predisposition. Identifiers: Orphanet 618, MedGen C4014476, MONDO:0014368, OMIM 615848.

Submission:

Labcorp Genetics (formerly Invitae), Labcorp
Classification: Uncertain significance for Tumor predisposition syndrome 3. Last evaluated: 2022-07-09. Review status: criteria provided, single submitter. Criteria: Invitae Variant Classification Sherloc (09022015). Collection method: clinical testing. Allele origin: germline.
Comment: This variant has not been reported in the literature in individuals affected with POT1-related conditions. This sequence change falls in intron 13 of the POT1 gene. It does not directly change the encoded amino acid sequence of the POT1 protein. It affects a nucleotide within the consensus splice site. This variant is not present in population databases (gnomAD no frequency). Variants that disrupt the consensus splice site are a relatively common cause of aberrant splicing (PMID: 17576681, 9536098). Algorithms developed to predict the effect of sequence changes on RNA splicing suggest that this variant may disrupt the consensus splice site. In summary, the available evidence is currently insufficient to determine the role of this variant in disease. Therefore, it has been classified as a Variant of Uncertain Significance.

Literature cited by the submitters: PubMed 17576681; PubMed 9536098.

NM_015450.3(POT1):c.1164-3T>G

Gene: POT1 (protection of telomeres 1; minus strand). Cytogenetic location: 7q31.33.
Variant type: single nucleotide variant.
Coding change: c.1164-3T>G on transcript NM_015450.3 (MANE Select); 3 bases into the intron before coding-DNA position 1164, T replaced by G.
Molecular consequence: intron variant.
Genome position (GRCh38, 1-based): chr7:124,841,181, A>C on the plus strand (T>G on the coding strand, the complement: POT1 is on the minus strand). VCF-style: chr7-124841181-A-C. GRCh37 (hg19) VCF-style: chr7-124481235-A-C.
Other names: c.771-3T>G (NM_001042594.2).
Identifiers: ClinVar variation 2015569 (VCV002015569.4), dbSNP rs1322783514, ClinGen allele CA2580076453.
Genomic context (GRCh38, chr7:124,841,181, plus strand): 5'-TTTAGTTGCACCATCCTGAAAAATTATATCCAAATCGCCCTCATGTGGAACTTCTTGCCT[A>C]AAATTATTGGCAATGAAATGATAGAAATCGATTTTGGTGTAAGCGTGAAGATTTCCATTT-3'